The following is an entry in ClinVar:

ClinVar aggregate classification (germline): Uncertain significance. Review status: criteria provided, multiple submitters, no conflicts (2 of 4 stars). 2 submissions from 2 submitters: Uncertain significance (2). Last evaluated 2026-09-09.

Conditions:
PCNT-related disorder. Also called: PCNT-related condition.

Allele frequency attached by ClinVar (database versions not stated): gnomAD exomes below 0.00001.
gnomAD v4.1: 2 of 1,614,100 alleles (0.00012%); highest among the groups gnomAD compares: African/African-American, 0.0013%; no homozygotes.

Submissions (2):

PreventionGenetics, part of Exact Sciences
Classification: Uncertain significance for PCNT-related condition. Last evaluated: 2026-09-09. Review status: criteria provided, single submitter. Criteria: ACMG Guidelines, 2015. Collection method: clinical testing. Allele origin: germline.
Comment: The PCNT c.3223C>T variant is predicted to result in the amino acid substitution p.Leu1075Phe. To our knowledge, this variant has not been reported in the literature or in a large population database, indicating this variant is rare. At this time, the clinical significance of this variant is uncertain due to the absence of conclusive functional and genetic evidence.

Genetic Services Laboratory, University of Chicago
Classification: Uncertain significance. Last evaluated: 2017-08-25. Review status: criteria provided, single submitter. Criteria: ACMG Guidelines, 2015. Collection method: clinical testing. Allele origin: germline. Affected: no.

NM_006031.6(PCNT):c.3223C>T (p.Leu1075Phe)

Gene: PCNT (pericentrin; plus strand). Cytogenetic location: 21q22.3.
Variant type: single nucleotide variant.
Coding change: c.3223C>T on transcript NM_006031.6 (MANE Select); coding-DNA position 3223, C replaced by T.
Protein change: p.Leu1075Phe; replaces leucine 1075 with phenylalanine.
Molecular consequence: missense variant.
Genome position (GRCh38, 1-based): chr21:46,381,751, C>T. VCF-style: chr21-46381751-C-T. GRCh37 (hg19) VCF-style: chr21-47801666-C-T.
Other names: c.2869C>T, p.Leu957Phe (NM_001315529.2); short protein forms L1075F, L957F.
Identifiers: ClinVar variation 1336189 (VCV001336189.5), dbSNP rs2085550399, ClinGen allele CA410573575.
Genomic context (GRCh38, chr21:46,381,751, plus strand): 5'-CAGGGTGAATTTGGAAGTGAAAAGAAAACTGCTTTGCATGAAAAAGAGGAGACACTTCGG[C>T]TTCAGAGTGCACAGGCACAGCCTTTTCACCAAGAGGAGAAAGAGTCTTTGTCTCTGCAGC-3'
Protein context (NP_006022.3, residues 1065-1085): ALHEKEETLR[Leu1075Phe]QSAQAQPFHQ